The following is an entry in ClinVar:

ClinVar aggregate classification (germline): other (0 of 4 stars; one submission).

Conditions:
Familial colorectal cancer. Identifiers: MedGen CN280943, MONDO:0023113. Disease mechanism: loss of function.

Submission:

Systems Biology Platform Zhejiang California International NanoSystems Institute
Classification: other for Familial colorectal cancer. Review status: no assertion criteria provided. Collection method: not provided. Allele origin: unknown.
ClinVar note: Converted during submission from cancer to other.

NM_000038.6(APC):c.1743+2402T>G

Gene: APC (APC regulator of WNT signaling pathway; plus strand). Cytogenetic location: 5q22.2.
Variant type: single nucleotide variant.
Coding change: c.1743+2402T>G on transcript NM_000038.6 (MANE Select); 2402 bases into the intron after coding-DNA position 1743, T replaced by G.
Molecular consequence: intron variant.
Genome position (GRCh38, 1-based): chr5:112,831,374, T>G. VCF-style: chr5-112831374-T-G. GRCh37 (hg19) VCF-style: chr5-112167071-T-G.
Other names: c.1743+2402T>G (NM_001354895.2, NM_001127510.3); c.1773+2402T>G (NM_001354897.2); c.1470+2402T>G (NM_001354902.2); c.1689+2402T>G (NM_001127511.3); c.1668+2402T>G (NM_001354898.2); c.1365+2402T>G (NM_001354904.2); c.894+2402T>G (NM_001354906.2); c.1797+2402T>G (NM_001354896.2); and 5 more.
Identifiers: ClinVar variation 82602 (VCV000082602.2), dbSNP rs78786852, ClinGen allele CA005633.